The following is an entry in ClinVar:

NM_021729.6(VPS11):c.2366A>C (p.Asp789Ala)

Gene: VPS11 (VPS11 core subunit of CORVET and HOPS complexes; plus strand). Cytogenetic location: 11q23.3.
Variant type: single nucleotide variant.
Coding change: c.2366A>C on transcript NM_021729.6 (MANE Select); coding-DNA position 2366, A replaced by C.
Protein change: p.Asp789Ala; replaces aspartic acid 789 with alanine.
Molecular consequence: missense variant. On other transcripts: non-coding transcript variant (8).
Genome position (GRCh38, 1-based): chr11:119,079,228, A>C. VCF-style: chr11-119079228-A-C. GRCh37 (hg19) VCF-style: chr11-118949938-A-C.
Other names: c.2336A>C, p.Asp779Ala (NM_001290185.2); c.2378A>C, p.Asp793Ala (NM_001378218.1, NM_001378219.1); c.2351A>C, p.Asp784Ala (NM_001378220.1); c.2348A>C, p.Asp783Ala (NM_001378221.1); short protein forms D779A, D793A, D784A, D783A, D789A.
Identifiers: ClinVar variation 1388931 (VCV001388931.6), dbSNP rs2134800243, ClinGen allele CA382979141.

ClinVar aggregate classification (germline): Uncertain significance (1 of 4 stars; one submission).

Submission:

Labcorp Genetics (formerly Invitae), Labcorp
Classification: Uncertain significance. Last evaluated: 2022-02-10. Review status: criteria provided, single submitter. Criteria: Invitae Variant Classification Sherloc (09022015). Collection method: clinical testing. Allele origin: germline.
Comment: In summary, the available evidence is currently insufficient to determine the role of this variant in disease. Therefore, it has been classified as a Variant of Uncertain Significance. Experimental studies and prediction algorithms are not available or were not evaluated, and the functional significance of this variant is currently unknown. This variant has not been reported in the literature in individuals affected with VPS11-related conditions. This variant is not present in population databases (gnomAD no frequency). This sequence change replaces aspartic acid, which is acidic and polar, with alanine, which is neutral and non-polar, at codon 789 of the VPS11 protein (p.Asp789Ala).